The following is an entry in ClinVar:

NM_001384140.1(PCDH15):c.4203-162T>C

Gene: PCDH15 (protocadherin related 15; minus strand). Cytogenetic location: 10q21.1.
Variant type: single nucleotide variant.
Coding change: c.4203-162T>C on transcript NM_001384140.1 (MANE Select); 162 bases into the intron before coding-DNA position 4203, T replaced by C.
Molecular consequence: intron variant.
Genome position (GRCh38, 1-based): chr10:53,828,735, A>G on the plus strand (T>C on the coding strand, the complement: PCDH15 is on the minus strand). VCF-style: chr10-53828735-A-G. GRCh37 (hg19) VCF-style: chr10-55588495-A-G.
Other names: c.4203-162T>C (NM_001142772.2, NM_001142770.3, NM_033056.4 and 3 more transcripts); c.4218-162T>C (NM_001142771.2, NM_001142763.2); c.4224-162T>C (NM_001354411.2); c.4239-162T>C (NM_001142769.3); c.4137-162T>C (NM_001354404.2, NM_001142768.2); c.4137-1187T>C (NM_001142773.2); c.4092-1187T>C (NM_001142767.2); c.3990-162T>C (NM_001142765.2); and 1 more.
Identifiers: ClinVar variation 670392 (VCV000670392.4), dbSNP rs4935472, ClinGen allele CA13266553.

ClinVar aggregate classification (germline): Benign. Review status: criteria provided, multiple submitters, no conflicts (2 of 4 stars). 2 submissions from 2 submitters: Benign (2). Last evaluated 2021-07-01.

Conditions:
Usher syndrome type 1F (USH1F). Also called: USHER SYNDROME, TYPE IF. Identifiers: Orphanet 231169, Orphanet 886, MedGen C1865885, MONDO:0011186, OMIM 602083.

Allele frequency attached by ClinVar (database versions not stated): 1000 Genomes Project 0.45228; gnomAD 0.39728 and 0.38838; 1000 Genomes Project 30x 0.44285; TOPMed 0.39539.
gnomAD v4.1: 60,216 of 151,740 alleles (40%); highest among the groups gnomAD compares: East Asian, 75%; 12,583 homozygotes.

Submissions (2):

Genome-Nilou Lab
Classification: Benign for Usher syndrome type 1F. Last evaluated: 2021-07-01. Review status: criteria provided, single submitter. Criteria: ACMG Guidelines, 2015. Collection method: clinical testing. Allele origin: germline. Affected: no.

GeneDx
Classification: Benign. Last evaluated: 2018-06-14. Review status: criteria provided, single submitter. Criteria: GeneDx Variant Classification (06012015). Collection method: clinical testing. Allele origin: germline. Affected: yes.
Comment: This variant is considered likely benign or benign based on one or more of the following criteria: it is a conservative change, it occurs at a poorly conserved position in the protein, it is predicted to be benign by multiple in silico algorithms, and/or has population frequency not consistent with disease.